The following is an entry in ClinVar:

NM_139076.3(ABRAXAS1):c.19T>G (p.Ser7Ala)

Genes: ABRAXAS1 (abraxas 1, BRCA1 A complex subunit; minus strand), LOC129992784 (ATAC-STARR-seq lymphoblastoid silent region 15542; plus strand). Cytogenetic location: 4q21.23.
Variant type: single nucleotide variant.
Coding change: c.19T>G on transcript NM_139076.3 (MANE Select); coding-DNA position 19, T replaced by G.
Protein change: p.Ser7Ala; replaces serine 7 with alanine.
Molecular consequence: missense variant. On other transcripts: 5 prime UTR variant (1).
Genome position (GRCh38, 1-based): chr4:83,485,054, A>C on the plus strand (T>G on the coding strand, the complement: ABRAXAS1 is on the minus strand). VCF-style: chr4-83485054-A-C. GRCh37 (hg19) VCF-style: chr4-84406207-A-C.
Other names: c.-242T>G (NM_001345962.2); short protein forms S7A.
Identifiers: ClinVar variation 2560573 (VCV002560573.2), dbSNP rs765428717, ClinGen allele CA2990686.

ClinVar aggregate classification (germline): Uncertain significance (1 of 4 stars; one submission).

Allele frequency attached by ClinVar (database versions not stated): ExAC 0.00001.

Submission:

Ambry Genetics
Classification: Uncertain significance. Last evaluated: 2023-03-25. Review status: criteria provided, single submitter. Criteria: Ambry Variant Classification Scheme 2023. Collection method: clinical testing. Allele origin: germline.
Comment: The p.S7A variant (also known as c.19T>G), located in coding exon 1 of the FAM175A gene, results from a T to G substitution at nucleotide position 19. The serine at codon 7 is replaced by alanine, an amino acid with similar properties. This amino acid position is conserved. In addition, this alteration is predicted to be tolerated by in silico analysis. Since supporting evidence is limited at this time, the clinical significance of this alteration remains unclear.